The following is an entry in ClinVar:

NM_014975.3(MAST1):c.4044G>C (p.Glu1348Asp)

Gene: MAST1 (microtubule associated serine/threonine kinase 1; plus strand). Cytogenetic location: 19p13.13.
Variant type: single nucleotide variant.
Coding change: c.4044G>C on transcript NM_014975.3 (MANE Select); coding-DNA position 4044, G replaced by C.
Protein change: p.Glu1348Asp; replaces glutamic acid 1348 with aspartic acid.
Molecular consequence: missense variant.
Genome position (GRCh38, 1-based): chr19:12,874,201, G>C. VCF-style: chr19-12874201-G-C. GRCh37 (hg19) VCF-style: chr19-12985015-G-C.
Other names: short protein forms E1348D.
Identifiers: ClinVar variation 3250418 (VCV003250418.1), dbSNP rs766551679.

ClinVar aggregate classification (germline): Uncertain significance (1 of 4 stars; one submission).

Conditions:
Mega-corpus-callosum syndrome with cerebellar hypoplasia and cortical malformations. Identifiers: MedGen C4748927, MONDO:0032648, OMIM 618273.

Allele frequency attached by ClinVar (database versions not stated): ExAC 0.00008.
gnomAD v4.1: 5 of 1,544,206 alleles (0.00032%); highest among the groups gnomAD compares: South Asian, 0.0059%; no homozygotes.

Submission:

Neuberg Centre For Genomic Medicine, NCGM
Classification: Uncertain significance for Mega-corpus-callosum syndrome with cerebellar hypoplasia and cortical malformations. Review status: criteria provided, single submitter. Criteria: ACMG Guidelines, 2015. Collection method: clinical testing. Allele origin: germline. Inheritance: Autosomal dominant inheritance. Affected: yes.
Comment: The observed missense variant c.4044G>C (p.Glu1348Asp) in gene has not been reported previously as a pathogenic variant nor as a benign variant, to our knowledge. The p.Glu1348Asp variant has allele frequency 0.0007% in gnomAD Exomes. This variant has not been submitted to the ClinVar database. The amino acid Glu at position 1348 is changed to a Asp changing protein sequence and it might alter its composition and physico-chemical properties. For these reasons, this variant has been classified as Variant of Uncertain Significance (VUS).